The following is an entry in ClinVar:

ClinVar aggregate classification (germline): Uncertain significance (1 of 4 stars; one submission).

Conditions:
Developmental and epileptic encephalopathy, 36 (DEE36). Also called: Congenital disorder of glycosylation, type Is; Epileptic encephalopathy, early infantile, 36; ALG13-CDG. Identifiers: Orphanet 324422, MedGen C4317295, MONDO:0010472, OMIM 300884.

Submission:

Labcorp Genetics (formerly Invitae), Labcorp
Classification: Uncertain significance for Developmental and epileptic encephalopathy, 36. Last evaluated: 2025-08-29. Review status: criteria provided, single submitter. Criteria: Invitae Variant Classification Sherloc (09022015). Collection method: clinical testing. Allele origin: germline.
Comment: This sequence change falls in intron 17 of the ALG13 gene. It does not directly change the encoded amino acid sequence of the ALG13 protein. It affects a nucleotide within the consensus splice site. This variant is not present in population databases (gnomAD no frequency). This variant has not been reported in the literature in individuals affected with ALG13-related conditions. Variants that disrupt the consensus splice site are a relatively common cause of aberrant splicing (PMID: 17576681, 9536098). Algorithms developed to predict the effect of sequence changes on RNA splicing suggest that this variant is not likely to affect RNA splicing. In summary, the available evidence is currently insufficient to determine the role of this variant in disease. Therefore, it has been classified as a Variant of Uncertain Significance.

Literature cited by the submitters: PubMed 17576681; PubMed 9536098.

NM_001099922.3(ALG13):c.2090+3A>G

Gene: ALG13 (ALG13 UDP-N-acetylglucosaminyltransferase subunit; plus strand). Cytogenetic location: Xq23.
Variant type: single nucleotide variant.
Coding change: c.2090+3A>G on transcript NM_001099922.3 (MANE Select); 3 bases into the intron after coding-DNA position 2090, A replaced by G.
Molecular consequence: intron variant.
Genome position (GRCh38, 1-based): chrX:111,727,448, A>G. VCF-style: chrX-111727448-A-G. GRCh37 (hg19) VCF-style: chrX-110970676-A-G.
Other names: c.1778+3A>G (NM_001257237.2, NM_001257234.2, NM_001257230.2); c.1604+3A>G (NM_001324293.1); c.1856+3A>G (NM_001257231.2); c.2090+3A>G (NM_001324292.2).
Identifiers: ClinVar variation 4726217 (VCV004726217.1).